The following is an entry in ClinVar:

NM_003482.4(KMT2D):c.11202GCA[3] (p.Gln3742_Gln3745del)

Gene: KMT2D (lysine methyltransferase 2D; minus strand). Cytogenetic location: 12q13.12.
Variant type: Microsatellite.
Coding change: c.11202GCA[3] on transcript NM_003482.4 (MANE Select); three copies in a row of the 3-base unit GCA starting at c.11202; the reference has seven copies in a row; four copies, 12 bases deleted.
Protein change: p.Gln3742_Gln3745del.
Molecular consequence: inframe deletion. On other transcripts: inframe indel (1).
Genome position (GRCh38, 1-based): chr12:49,033,483-49,033,494, TGCTGCTGCTGC deleted on the plus strand (GCAGCAGCAGCA on the coding strand, the reverse complement: KMT2D is on the minus strand); deleting any 12 consecutive bases within chr12:49,033,483-49,033,503 gives the same sequence; the position shown is the placement nearest the transcript's 3' end. VCF-style (leftmost placement, unchanged base first): chr12-49033482-TTGCTGCTGCTGC-T. GRCh37 (hg19) VCF-style: chr12-49427265-TTGCTGCTGCTGC-T.
Other names: c.11211_11222del12 (NM_003482.3); c.11202_11204GCA[3], p.Gln3742_Gln3745del (NM_003482.3).
Identifiers: ClinVar variation 3013761 (VCV003013761.4), dbSNP rs398123707, ClinGen allele CA605233630.

ClinVar aggregate classification (germline): Uncertain significance. Review status: criteria provided, multiple submitters, no conflicts (2 of 4 stars). 2 submissions from 2 submitters: Uncertain significance (2). Last evaluated 2026-04-09.

Conditions:
KMT2D-related disorder. Also called: KMT2D-Related Disorders.
Kabuki syndrome. Also called: NIIKAWA-KUROKI SYNDROME; Kabuki make-up syndrome. Identifiers: Orphanet 2322, MedGen C0796004, MONDO:0016512.

Submissions (2):

PreventionGenetics, part of Exact Sciences
Classification: Uncertain significance for KMT2D-related condition. Last evaluated: 2026-04-09. Review status: criteria provided, single submitter. Criteria: ACMG Guidelines, 2015. Collection method: clinical testing. Allele origin: germline.
Comment: The KMT2D c.11211_11222del12 variant is predicted to result in an in-frame deletion (p.Gln3742_Gln3745del). To our knowledge, this variant has not been reported in the literature. This variant is reported in 0.012% of alleles in individuals of East Asian descent in gnomAD. At this time, the clinical significance of this variant is uncertain due to the absence of conclusive functional and genetic evidence.

Labcorp Genetics (formerly Invitae), Labcorp
Classification: Uncertain significance for Kabuki syndrome. Last evaluated: 2024-04-25. Review status: criteria provided, single submitter. Criteria: Invitae Variant Classification Sherloc (09022015). Collection method: clinical testing. Allele origin: germline.
Comment: This variant, c.11211_11222del, results in the deletion of 4 amino acid(s) of the KMT2D protein (p.Gln3742_Gln3745del), but otherwise preserves the integrity of the reading frame. The frequency data for this variant in the population databases is considered unreliable, as metrics indicate poor data quality at this position in the gnomAD database. This variant has not been reported in the literature in individuals affected with KMT2D-related conditions. This variant has been observed in at least one individual who was not affected with KMT2D-related conditions (Invitae). Experimental studies and prediction algorithms are not available or were not evaluated, and the functional significance of this variant is currently unknown. In summary, the available evidence is currently insufficient to determine the role of this variant in disease. Therefore, it has been classified as a Variant of Uncertain Significance.